The following is an entry in ClinVar:

NM_000397.4(CYBB):c.92G>A (p.Arg31Gln)

Gene: CYBB (cytochrome b-245 beta chain; plus strand). Cytogenetic location: Xp21.1.
Variant type: single nucleotide variant.
Coding change: c.92G>A on transcript NM_000397.4 (MANE Select); coding-DNA position 92, G replaced by A.
Protein change: p.Arg31Gln; replaces arginine 31 with glutamine.
Molecular consequence: missense variant.
Genome position (GRCh38, 1-based): chrX:37,782,134, G>A. VCF-style: chrX-37782134-G-A. GRCh37 (hg19) VCF-style: chrX-37641387-G-A.
Other names: short protein forms R31Q.
Identifiers: ClinVar variation 4739554 (VCV004739554.1).
Genomic context (GRCh38, chrX:37,782,134, plus strand): 5'-TTCTGTTTGTGCAGCTGGTTTGGCTGGGGTTGAACGTCTTCCTCTTTGTCTGGTATTACC[G>A]GGTTTATGATATTCCACCTAAGTTCTTTTACACAAGAAAACTTCTTGGGGTAAGTATAAA-3'
Protein context (NP_000388.2, residues 21-41): LNVFLFVWYY[Arg31Gln]VYDIPPKFFY

ClinVar aggregate classification (germline): Uncertain significance (1 of 4 stars; one submission).

Conditions:
Granulomatous disease, chronic, X-linked. Also called: CYTOCHROME b-NEGATIVE GRANULOMATOUS DISEASE, CHRONIC, X-LINKED; GRANULOMATOUS DISEASE, CHRONIC, X-LINKED, SOMATIC MOSAIC. Identifiers: Orphanet 379, MedGen C1844376, MONDO:0010600, OMIM 306400.

Submission:

Labcorp Genetics (formerly Invitae), Labcorp
Classification: Uncertain significance for Granulomatous disease, chronic, X-linked. Last evaluated: 2025-03-16. Review status: criteria provided, single submitter. Criteria: Invitae Variant Classification Sherloc (09022015). Collection method: clinical testing. Allele origin: germline.
Comment: This sequence change replaces arginine, which is basic and polar, with glutamine, which is neutral and polar, at codon 31 of the CYBB protein (p.Arg31Gln). This variant is not present in population databases (gnomAD no frequency). This variant has not been reported in the literature in individuals affected with CYBB-related conditions. Invitae Evidence Modeling of protein sequence and biophysical properties (such as structural, functional, and spatial information, amino acid conservation, physicochemical variation, residue mobility, and thermodynamic stability) indicates that this missense variant is not expected to disrupt CYBB protein function with a negative predictive value of 80%. Algorithms developed to predict the effect of sequence changes on RNA splicing suggest that this variant may disrupt the consensus splice site. In summary, the available evidence is currently insufficient to determine the role of this variant in disease. Therefore, it has been classified as a Variant of Uncertain Significance.